The following is an entry in ClinVar:

ClinVar aggregate classification (germline): Uncertain significance (1 of 4 stars; one submission).

Conditions:
Developmental and epileptic encephalopathy, 8 (DEE8). Also called: HYPEREKPLEXIA AND EPILEPSY. Identifiers: Orphanet 163985, Orphanet 2076, MedGen C1845102, MONDO:0010375, OMIM 300607.

Submission:

Labcorp Genetics (formerly Invitae), Labcorp
Classification: Uncertain significance for Developmental and epileptic encephalopathy, 8. Last evaluated: 2023-08-17. Review status: criteria provided, single submitter. Criteria: Invitae Variant Classification Sherloc (09022015). Collection method: clinical testing. Allele origin: germline.
Comment: This variant is not present in population databases (gnomAD no frequency). This sequence change replaces asparagine, which is neutral and polar, with aspartic acid, which is acidic and polar, at codon 24 of the ARHGEF9 protein (p.Asn24Asp). This variant has not been reported in the literature in individuals affected with ARHGEF9-related conditions. In summary, the available evidence is currently insufficient to determine the role of this variant in disease. Therefore, it has been classified as a Variant of Uncertain Significance. Advanced modeling of protein sequence and biophysical properties (such as structural, functional, and spatial information, amino acid conservation, physicochemical variation, residue mobility, and thermodynamic stability) performed at Invitae indicates that this missense variant is not expected to disrupt ARHGEF9 protein function.

NM_001353921.2(ARHGEF9):c.91A>G (p.Asn31Asp)

Gene: ARHGEF9 (Cdc42 guanine nucleotide exchange factor 9; minus strand). Cytogenetic location: Xq11.1.
Variant type: single nucleotide variant.
Coding change: c.91A>G on transcript NM_001353921.2 (MANE Select); coding-DNA position 91, A replaced by G.
Protein change: p.Asn31Asp; replaces asparagine 31 with aspartic acid.
Molecular consequence: missense variant. On other transcripts: 5 prime UTR variant (2), intron variant (6).
Genome position (GRCh38, 1-based): chrX:63,724,651, T>C on the plus strand (A>G on the coding strand, the complement: ARHGEF9 is on the minus strand). VCF-style: chrX-63724651-T-C. GRCh37 (hg19) VCF-style: chrX-62944531-T-C.
Other names: c.7A>G, p.Asn3Asp (NM_001330495.2, NM_001353927.2, NM_001369033.1 and 8 more transcripts); c.91A>G, p.Asn31Asp (NM_001353922.2); c.109A>G, p.Asn37Asp (NM_001353923.1); c.70A>G, p.Asn24Asp (NM_001353928.2, NM_001369030.1, NM_001369031.1 and 2 more transcripts); c.-373A>G (NM_001369042.1); c.-613A>G (NM_001369045.1); c.31-18202A>G (NM_001173479.2); c.10-18202A>G (NM_001369040.1, NM_001369039.1, NM_001353926.2 and 1 more transcripts); and 1 more; short protein forms N24D, N31D, N3D, N37D.
Identifiers: ClinVar variation 3020363 (VCV003020363.3), dbSNP rs2520032725, ClinGen allele CA413404337.